The following is an entry in ClinVar:

ClinVar aggregate classification (germline): Uncertain significance (1 of 4 stars; one submission).

Conditions:
MACF1-related disorder. Also called: MACF1-related condition.

Submission:

PreventionGenetics, part of Exact Sciences
Classification: Uncertain significance for MACF1-related condition. Last evaluated: 2025-12-05. Review status: criteria provided, single submitter. Criteria: ACMG Guidelines, 2015. Collection method: clinical testing. Allele origin: germline.
Comment: The MACF1 c.11284G>A variant is predicted to result in the amino acid substitution p.Asp3762Asn. To our knowledge, this variant has not been reported in the literature or in a large population database (gnomAD), indicating this variant is rare. At this time, the clinical significance of this variant is uncertain due to the absence of conclusive functional and genetic evidence.

NM_001394062.1(MACF1):c.17470G>A (p.Asp5824Asn)

Gene: MACF1 (microtubule actin crosslinking factor 1; plus strand). Cytogenetic location: 1p34.3.
Variant type: single nucleotide variant.
Coding change: c.17470G>A on transcript NM_001394062.1 (MANE Select); coding-DNA position 17470, G replaced by A.
Protein change: p.Asp5824Asn; replaces aspartic acid 5824 with asparagine.
Molecular consequence: missense variant.
Genome position (GRCh38, 1-based): chr1:39,433,060, G>A. VCF-style: chr1-39433060-G-A. GRCh37 (hg19) VCF-style: chr1-39898732-G-A.
Other names: c.5539G>A, p.Asp1847Asn (NM_001397473.1); c.11284G>A, p.Asp3762Asn (NM_012090.5); short protein forms D1847N, D3762N, D5824N.
Identifiers: ClinVar variation 4983604 (VCV004983604.1).